The following is an entry in ClinVar:

NM_001267550.2(TTN):c.45932T>C (p.Ile15311Thr)

Gene: TTN (titin; minus strand). Cytogenetic location: 2q31.2.
Variant type: single nucleotide variant.
Coding change: c.45932T>C on transcript NM_001267550.2 (MANE Select); coding-DNA position 45932, T replaced by C.
Protein change: p.Ile15311Thr; replaces isoleucine 15311 with threonine.
Molecular consequence: missense variant.
Genome position (GRCh38, 1-based): chr2:178,620,589, A>G on the plus strand (T>C on the coding strand, the complement: TTN is on the minus strand). VCF-style: chr2-178620589-A-G. GRCh37 (hg19) VCF-style: chr2-179485316-A-G.
Other names: p.Ile13670Thr; c.41009T>C, p.Ile13670Thr (NM_001256850.1); c.18737T>C, p.Ile6246Thr (NM_003319.4); c.38228T>C, p.Ile12743Thr (NM_133378.4); c.19112T>C, p.Ile6371Thr (NM_133432.3); c.19313T>C, p.Ile6438Thr (NM_133437.4); short protein forms I12743T, I13670T, I15311T, I6246T, I6371T, I6438T.
Identifiers: ClinVar variation 3376878 (VCV003376878.2).

ClinVar aggregate classification (germline): Uncertain significance. Review status: criteria provided, multiple submitters, no conflicts (2 of 4 stars). 2 submissions from 2 submitters: Uncertain significance (2). Last evaluated 2025-01-02.

Conditions:
Dilated cardiomyopathy 1G (CMD1G). Identifiers: Orphanet 154, MedGen C1858763, MONDO:0011400, OMIM 604145.

gnomAD v4.1: 1 of 1,611,044 alleles (0.000062%); no homozygotes.

Submissions (2):

Mayo Clinic Laboratories, Mayo Clinic
Classification: Uncertain significance. Last evaluated: 2025-01-02. Review status: criteria provided, single submitter. Criteria: ACMG Guidelines, 2015. Collection method: clinical testing. Allele origin: germline. Observed: 1 variant allele.

Victorian Clinical Genetics Services, Murdoch Childrens Research Institute
Classification: Uncertain significance for Dilated cardiomyopathy 1G. Last evaluated: 2023-12-21. Review status: criteria provided, single submitter. Criteria: ACMG Guidelines, 2015. Collection method: clinical testing. Allele origin: germline. Inheritance: Autosomal dominant inheritance. Affected: yes.
Comment: Based on the classification scheme VCGS_Germline_v1.3.4, this variant is classified as VUS-3B. Following criteria are met: 0102 - Loss of function is known mechanism of disease in this gene. In addition, dominant-negative is also a suggested mechanism. (PMID: 25589632). (I) 0108 - This gene is associated with both recessive and dominant disease (OMIM). (I) 0112 - The condition associated with this gene has incomplete penetrance. Variants in this gene that result in a premature termination codon (PTC) are known to have reduced penetrance in DCM (PMID: 25589632). (I) 0200 - Variant is predicted to result in a missense amino acid change from isoleucine to threonine. (I) 0251 - This variant is heterozygous. (I) 0304 - Variant is present in gnomAD <0.01 (v2: 1 heterozygote, 0 homozygotes). (SP) 0502 - Missense variant with conflicting in silico predictions and uninformative conservation. (I) 0600 - Variant is located in the annotated Ig-like domain within the I-band and the exon has a PSI score of 100 (PMID: 25589632). (I) 0705 - No comparable missense variants have previous evidence for pathogenicity. (I) 0809 - Previous evidence of pathogenicity for this variant is inconclusive. It has been detected in an individual with hypertrophic cardiomyopathy (HCM) and it was regarded as VUS (PMIDs: 26516846, 28771489, 35207729). (I) 0905 - No published segregation evidence has been identified for this variant. (I) 1007 - No published functional evidence has been identified for this variant. (I) 1208 - Inheritance information for this variant is not currently available in this individual. (I) Legend: (SP) - Supporting pathogenic, (I) - Information, (SB) - Supporting benign

Literature cited by the submitters: PubMed 25589632 (cited by Victorian Clinical Genetics Services, Murdoch Childrens Research Institute); PubMed 26516846 (cited by Victorian Clinical Genetics Services, Murdoch Childrens Research Institute); PubMed 28771489 (cited by Victorian Clinical Genetics Services, Murdoch Childrens Research Institute); PubMed 35207729 (cited by Victorian Clinical Genetics Services, Murdoch Childrens Research Institute).